The following is an entry in ClinVar:

ClinVar aggregate classification (germline): Uncertain significance (1 of 4 stars; one submission).

Conditions:
Inborn genetic diseases. Identifiers: MedGen C0950123, MeSH D030342.

Allele frequency attached by ClinVar (database versions not stated): ExAC 0.00002; TOPMed 0.00002; gnomAD exomes 0.00004; ESP Exome Variant Server 0.00015.
gnomAD v4.1: 65 of 1,614,170 alleles (0.004%); highest among the groups gnomAD compares: Non-Finnish European, 0.0051%; no homozygotes.

Submission:

Ambry Genetics
Classification: Uncertain significance for Inborn genetic diseases. Last evaluated: 2018-01-30. Review status: criteria provided, single submitter. Criteria: Ambry Variant Classification Scheme 2023. Collection method: clinical testing. Allele origin: germline.
Comment: The p.V117A variant (also known as c.350T>C), located in coding exon 3 of the AP4B1 gene, results from a T to C substitution at nucleotide position 350. The valine at codon 117 is replaced by alanine, an amino acid with similar properties. This amino acid position is not well conserved in available vertebrate species. In addition, this alteration is predicted to be tolerated by in silico analysis. Since supporting evidence is limited at this time, the clinical significance of this alteration remains unclear.

NM_001253852.3(AP4B1):c.350T>C (p.Val117Ala)

Gene: AP4B1 (adaptor related protein complex 4 subunit beta 1; minus strand). Cytogenetic location: 1p13.2.
Variant type: single nucleotide variant.
Coding change: c.350T>C on transcript NM_001253852.3 (MANE Select); coding-DNA position 350, T replaced by C.
Protein change: p.Val117Ala; replaces valine 117 with alanine.
Molecular consequence: missense variant. On other transcripts: intron variant (1).
Genome position (GRCh38, 1-based): chr1:113,901,874, A>G on the plus strand (T>C on the coding strand, the complement: AP4B1 is on the minus strand). VCF-style: chr1-113901874-A-G. GRCh37 (hg19) VCF-style: chr1-114444496-A-G.
Other names: c.53T>C, p.Val18Ala (NM_001253853.3); c.350T>C, p.Val117Ala (NM_006594.5); c.114-1474T>C (NM_001308312.2); short protein forms V117A, V18A.
Identifiers: ClinVar variation 1732151 (VCV001732151.2), dbSNP rs375975068, ClinGen allele CA1016115.